The following is an entry in ClinVar:

ClinVar aggregate classification (germline): Pathogenic (1 of 4 stars; one submission).

Conditions:
Hereditary spastic paraplegia 4. Also called: Spastic paraplegia 4, autosomal dominant; Spastic Paraplegia 4; Familial spastic paraplegia autosomal dominant 2. Identifiers: Orphanet 100985, MedGen C1866855, MONDO:0008438, OMIM 182601.

Submission:

Labcorp Genetics (formerly Invitae), Labcorp
Classification: Pathogenic for Hereditary spastic paraplegia 4. Last evaluated: 2021-09-25. Review status: criteria provided, single submitter. Criteria: Invitae Variant Classification Sherloc (09022015). Collection method: clinical testing. Allele origin: germline.
Comment: This sequence change creates a premature translational stop signal (p.Glu172*) in the SPAST gene. It is expected to result in an absent or disrupted protein product. Loss-of-function variants in SPAST are known to be pathogenic (PMID: 20932283). For these reasons, this variant has been classified as Pathogenic. This variant has not been reported in the literature in individuals affected with SPAST-related conditions. This variant is not present in population databases (ExAC no frequency).

Literature cited by the submitters: PubMed 20932283.

NM_014946.4(SPAST):c.514G>T (p.Glu172Ter)

Gene: SPAST (spastin; plus strand). Cytogenetic location: 2p22.3.
Variant type: single nucleotide variant.
Coding change: c.514G>T on transcript NM_014946.4 (MANE Select); coding-DNA position 514, G replaced by T.
Protein change: p.Glu172Ter; replaces glutamic acid 172 with a stop codon.
Molecular consequence: nonsense.
Genome position (GRCh38, 1-based): chr2:32,089,533, G>T. VCF-style: chr2-32089533-G-T. GRCh37 (hg19) VCF-style: chr2-32314602-G-T.
Other names: c.511G>T, p.Glu171Ter (NM_001363823.2, NM_001363875.2); c.514G>T, p.Glu172Ter (NM_001377959.1, NM_199436.2); short protein forms E171*, E172*.
Identifiers: ClinVar variation 1460436 (VCV001460436.6), dbSNP rs2148710558, ClinGen allele CA346603448.